The following is an entry in ClinVar:

NM_138927.4(SON):c.2452A>G (p.Thr818Ala)

Gene: SON (SON DNA and RNA binding protein; plus strand). Cytogenetic location: 21q22.11.
Variant type: single nucleotide variant.
Coding change: c.2452A>G on transcript NM_138927.4 (MANE Select); coding-DNA position 2452, A replaced by G.
Protein change: p.Thr818Ala; replaces threonine 818 with alanine.
Molecular consequence: missense variant. On other transcripts: non-coding transcript variant (1), intron variant (1).
Genome position (GRCh38, 1-based): chr21:33,551,683, A>G. VCF-style: chr21-33551683-A-G. GRCh37 (hg19) VCF-style: chr21-34923989-A-G.
Other names: c.2452A>G, p.Thr818Ala (NM_001291411.2, NM_001412133.1, NM_032195.3 and 2 more transcripts); c.244+5304A>G (NM_001291412.3); short protein forms T818A.
Identifiers: ClinVar variation 1951515 (VCV001951515.5), dbSNP rs375408405, ClinGen allele CA10009107.

ClinVar aggregate classification (germline): Uncertain significance (1 of 4 stars; one submission).

Allele frequency attached by ClinVar (database versions not stated): TOPMed below 0.00001; gnomAD 0.00001; gnomAD exomes 0.00001; ExAC 0.00002; ESP Exome Variant Server 0.00008.

Submission:

Labcorp Genetics (formerly Invitae), Labcorp
Classification: Uncertain significance. Last evaluated: 2022-08-03. Review status: criteria provided, single submitter. Criteria: Invitae Variant Classification Sherloc (09022015). Collection method: clinical testing. Allele origin: germline.
Comment: This variant is present in population databases (rs375408405, gnomAD 0.0009%). This sequence change replaces threonine, which is neutral and polar, with alanine, which is neutral and non-polar, at codon 818 of the SON protein (p.Thr818Ala). This variant has not been reported in the literature in individuals affected with SON-related conditions. In summary, the available evidence is currently insufficient to determine the role of this variant in disease. Therefore, it has been classified as a Variant of Uncertain Significance. Algorithms developed to predict the effect of missense changes on protein structure and function are either unavailable or do not agree on the potential impact of this missense change (SIFT: "Deleterious"; PolyPhen-2: "Possibly Damaging"; Align-GVGD: "Class C0").